The following is an entry in ClinVar:

ClinVar aggregate classification (germline): Uncertain significance (1 of 4 stars; one submission).

Conditions:
Maple syrup urine disease (MSUD). Identifiers: Orphanet 511, MedGen C0024776, MeSH D008375, MONDO:0009563. Disease mechanism: loss of function.

Allele frequency attached by ClinVar (database versions not stated): gnomAD 0.00001; TOPMed 0.00001.
gnomAD v4.1: 4 of 1,612,904 alleles (0.00025%); highest among the groups gnomAD compares: Admixed American, 0.0067%; no homozygotes.

Submission:

Labcorp Genetics (formerly Invitae), Labcorp
Classification: Uncertain significance for Maple syrup urine disease. Last evaluated: 2022-08-22. Review status: criteria provided, single submitter. Criteria: Invitae Variant Classification Sherloc (09022015). Collection method: clinical testing. Allele origin: germline.
Comment: This sequence change replaces glycine, which is neutral and non-polar, with alanine, which is neutral and non-polar, at codon 323 of the BCKDHB protein (p.Gly323Ala). This variant is present in population databases (no rsID available, gnomAD 0.003%). This variant has not been reported in the literature in individuals affected with BCKDHB-related conditions. Algorithms developed to predict the effect of missense changes on protein structure and function are either unavailable or do not agree on the potential impact of this missense change (SIFT: "Deleterious"; PolyPhen-2: "Probably Damaging"; Align-GVGD: "Class C0"). In summary, the available evidence is currently insufficient to determine the role of this variant in disease. Therefore, it has been classified as a Variant of Uncertain Significance.

NM_183050.4(BCKDHB):c.968G>C (p.Gly323Ala)

Gene: BCKDHB (branched chain keto acid dehydrogenase E1 subunit beta; plus strand). Cytogenetic location: 6q14.1.
Variant type: single nucleotide variant.
Coding change: c.968G>C on transcript NM_183050.4 (MANE Select); coding-DNA position 968, G replaced by C.
Protein change: p.Gly323Ala; replaces glycine 323 with alanine.
Molecular consequence: missense variant. On other transcripts: non-coding transcript variant (1).
Genome position (GRCh38, 1-based): chr6:80,273,151, G>C. VCF-style: chr6-80273151-G-C. GRCh37 (hg19) VCF-style: chr6-80982868-G-C.
Other names: c.968G>C, p.Gly323Ala (NM_000056.5); c.758G>C, p.Gly253Ala (NM_001318975.1); short protein forms G253A, G323A.
Identifiers: ClinVar variation 2415690 (VCV002415690.3), dbSNP rs1175759152, ClinGen allele CA365008894.
Genomic context (GRCh38, chr6:80,273,151, plus strand): 5'-AATAGATATTCTTTTTAACATCAGGTTTTTCTTTTCTCTTTCAGTCTGTGATCAAAACAG[G>C]GCGACTGCTAATCAGTCACGAGGCTCCCTTGACAGGCGGCTTTGCATCGGAAATCAGCTC-3'
Protein context (NP_898871.1, residues 313-333): DTICKSVIKT[Gly323Ala]RLLISHEAPL